The following is an entry in ClinVar:

ClinVar aggregate classification (germline): Uncertain significance (1 of 4 stars; one submission).

Conditions:
Perlman syndrome (PRLMNS). Identifiers: Orphanet 2849, MedGen C0796113, MONDO:0009965, OMIM 267000.

gnomAD v4.1: 5 of 1,613,910 alleles (0.00031%); highest among the groups gnomAD compares: East Asian, 0.0022%; no homozygotes.

Submission:

Labcorp Genetics (formerly Invitae), Labcorp
Classification: Uncertain significance for Perlman syndrome. Last evaluated: 2023-09-17. Review status: criteria provided, single submitter. Criteria: Invitae Variant Classification Sherloc (09022015). Collection method: clinical testing. Allele origin: germline.
Comment: ClinVar contains an entry for this variant (Variation ID: 1026005). This sequence change replaces arginine, which is basic and polar, with glutamine, which is neutral and polar, at codon 245 of the DIS3L2 protein (p.Arg245Gln). This variant is present in population databases (no rsID available, gnomAD 0.006%). This variant has not been reported in the literature in individuals affected with DIS3L2-related conditions. Advanced modeling of protein sequence and biophysical properties (such as structural, functional, and spatial information, amino acid conservation, physicochemical variation, residue mobility, and thermodynamic stability) performed at Invitae indicates that this missense variant is not expected to disrupt DIS3L2 protein function. In summary, the available evidence is currently insufficient to determine the role of this variant in disease. Therefore, it has been classified as a Variant of Uncertain Significance.

NM_152383.5(DIS3L2):c.734G>A (p.Arg245Gln)

Gene: DIS3L2 (DIS3 like 3'-5' exoribonuclease 2; plus strand). Cytogenetic location: 2q37.1.
Variant type: single nucleotide variant.
Coding change: c.734G>A on transcript NM_152383.5 (MANE Select); coding-DNA position 734, G replaced by A.
Protein change: p.Arg245Gln; replaces arginine 245 with glutamine.
Molecular consequence: missense variant. On other transcripts: non-coding transcript variant (1).
Genome position (GRCh38, 1-based): chr2:232,136,503, G>A. VCF-style: chr2-232136503-G-A. GRCh37 (hg19) VCF-style: chr2-233001213-G-A.
Other names: c.734G>A, p.Arg245Gln (NM_001257281.2); short protein forms R245Q.
Identifiers: ClinVar variation 1026005 (VCV001026005.8), dbSNP rs1201462126, ClinGen allele CA351153477.